The following is an entry in ClinVar:

NM_000234.3(LIG1):c.1669C>T (p.Arg557Cys)

Gene: LIG1 (DNA ligase 1; minus strand). Cytogenetic location: 19q13.33.
Variant type: single nucleotide variant.
Coding change: c.1669C>T on transcript NM_000234.3 (MANE Select); coding-DNA position 1669, C replaced by T.
Protein change: p.Arg557Cys; replaces arginine 557 with cysteine.
Molecular consequence: missense variant. On other transcripts: non-coding transcript variant (6).
Genome position (GRCh38, 1-based): chr19:48,133,038, G>A on the plus strand (C>T on the coding strand, the complement: LIG1 is on the minus strand). VCF-style: chr19-48133038-G-A. GRCh37 (hg19) VCF-style: chr19-48636295-G-A.
Other names: c.1576C>T, p.Arg526Cys (NM_001289063.2); c.1465C>T, p.Arg489Cys (NM_001289064.2); c.1666C>T, p.Arg556Cys (NM_001320970.2); c.1579C>T, p.Arg527Cys (NM_001320971.2); short protein forms R556C, R489C, R527C, R526C, R557C.
Identifiers: ClinVar variation 1980132 (VCV001980132.1), dbSNP rs372831646, ClinGen allele CA9546751.

ClinVar aggregate classification (germline): Uncertain significance (1 of 4 stars; one submission).

Allele frequency attached by ClinVar (database versions not stated): TOPMed 0.00001; gnomAD 0.00002; gnomAD exomes 0.00002; ExAC 0.00003; ESP Exome Variant Server 0.00008.
gnomAD v4.1: 30 of 1,614,016 alleles (0.0019%); highest among the groups gnomAD compares: Middle Eastern, 0.016%; 1 homozygote.

Submission:

Labcorp Genetics (formerly Invitae), Labcorp
Classification: Uncertain significance. Last evaluated: 2022-10-23. Review status: criteria provided, single submitter. Criteria: Invitae Variant Classification Sherloc (09022015). Collection method: clinical testing. Allele origin: germline.
Comment: This sequence change replaces arginine, which is basic and polar, with cysteine, which is neutral and slightly polar, at codon 557 of the LIG1 protein (p.Arg557Cys). This variant is present in population databases (rs372831646, gnomAD 0.007%), including at least one homozygous and/or hemizygous individual. This variant has not been reported in the literature in individuals affected with LIG1-related conditions. Algorithms developed to predict the effect of missense changes on protein structure and function (SIFT, PolyPhen-2, Align-GVGD) all suggest that this variant is likely to be disruptive. In summary, the available evidence is currently insufficient to determine the role of this variant in disease. Therefore, it has been classified as a Variant of Uncertain Significance.